The following is an entry in ClinVar:

NM_031935.3(HMCN1):c.13677C>T (p.Pro4559=)

Gene: HMCN1 (hemicentin 1; plus strand). Cytogenetic location: 1q31.1.
Variant type: single nucleotide variant.
Coding change: c.13677C>T on transcript NM_031935.3 (MANE Select); coding-DNA position 13677, C replaced by T.
Protein change: p.Pro4559=; no amino-acid change (proline 4559 retained).
Molecular consequence: synonymous variant.
Genome position (GRCh38, 1-based): chr1:186,137,592, C>T. VCF-style: chr1-186137592-C-T. GRCh37 (hg19) VCF-style: chr1-186106724-C-T.
Identifiers: ClinVar variation 3052498 (VCV003052498.2), dbSNP rs2528096970, ClinGen allele CA422331270.

ClinVar aggregate classification (germline): Likely benign (0 of 4 stars; one submission).

Conditions:
HMCN1-related disorder. Also called: HMCN1-related condition.

Submission:

PreventionGenetics, part of Exact Sciences
Classification: Likely benign for HMCN1-related condition. Last evaluated: 2019-09-23. Review status: no assertion criteria provided. Collection method: clinical testing. Allele origin: germline.
Comment: This variant is classified as likely benign based on ACMG/AMP sequence variant interpretation guidelines (Richards et al. 2015 PMID: 25741868, with internal and published modifications).